The following is an entry in ClinVar:

NM_004369.4(COL6A3):c.5969G>A (p.Arg1990Gln)

Gene: COL6A3 (collagen type VI alpha 3 chain; minus strand). Cytogenetic location: 2q37.3.
Variant type: single nucleotide variant.
Coding change: c.5969G>A on transcript NM_004369.4 (MANE Select); coding-DNA position 5969, G replaced by A.
Protein change: p.Arg1990Gln; replaces arginine 1990 with glutamine.
Molecular consequence: missense variant.
Genome position (GRCh38, 1-based): chr2:237,363,347, C>T on the plus strand (G>A on the coding strand, the complement: COL6A3 is on the minus strand). VCF-style: chr2-237363347-C-T. GRCh37 (hg19) VCF-style: chr2-238271990-C-T.
Other names: c.4148G>A, p.Arg1383Gln (NM_057166.5); c.5351G>A, p.Arg1784Gln (NM_057167.4); short protein forms R1990Q, R1784Q, R1383Q.
Identifiers: ClinVar variation 291226 (VCV000291226.13), dbSNP rs780489910, ClinGen allele CA2188509.

ClinVar aggregate classification (germline): Conflicting classifications of pathogenicity. Review status: criteria provided, conflicting classifications (1 of 4 stars). 4 submissions from 4 submitters: Uncertain significance (3); Likely benign (1). Last evaluated 2025-04-24.

Conditions:
COL6A3-related disorder. Also called: COL6A3-related disorders; COL6A3-related condition.
Bethlem myopathy 1A. Also called: Bethlem Muscular Dystrophy; MYOPATHY, BENIGN CONGENITAL, WITH CONTRACTURES; Bethlem myopathy 1. Identifiers: Orphanet 610, MedGen CN029274, MONDO:0024530, OMIM 158810.

Allele frequency attached by ClinVar (database versions not stated): TOPMed 0.00001; gnomAD exomes 0.00002; gnomAD 0.00003.
gnomAD v4.1: 33 of 1,614,000 alleles (0.002%); highest among the groups gnomAD compares: East Asian, 0.0045%; no homozygotes.

Submissions (4):

Labcorp Genetics (formerly Invitae), Labcorp
Classification: Likely benign for Bethlem myopathy 1A. Last evaluated: 2025-04-24. Review status: criteria provided, single submitter. Criteria: Invitae Variant Classification Sherloc (09022015). Collection method: clinical testing. Allele origin: germline.

PreventionGenetics, part of Exact Sciences
Classification: Uncertain significance for COL6A3-related condition. Last evaluated: 2023-02-22. Review status: criteria provided, single submitter. Criteria: ACMG Guidelines, 2015. Collection method: clinical testing. Allele origin: germline.
Comment: The COL6A3 c.5969G>A variant is predicted to result in the amino acid substitution p.Arg1990Gln. To our knowledge, this variant has not been reported in the literature. This variant is reported in 0.0039% of alleles in individuals of European (Non-Finnish) descent in gnomAD. At this time, the clinical significance of this variant is uncertain due to the absence of conclusive functional and genetic evidence.

Athena Diagnostics
Classification: Uncertain significance. Last evaluated: 2017-04-19. Review status: criteria provided, single submitter. Criteria: Athena Diagnostics Criteria. Collection method: clinical testing. Allele origin: germline.

Eurofins Ntd Llc (ga)
Classification: Uncertain significance. Last evaluated: 2016-09-21. Review status: criteria provided, single submitter. Criteria: EGL Classification Definitions 2015. Collection method: clinical testing. Allele origin: germline. Observed: 1 variant allele, 1 heterozygote.